The following is an entry in ClinVar:

NM_178526.5(SLC25A42):c.298G>A (p.Val100Met)

Gene: SLC25A42 (solute carrier family 25 member 42; plus strand). Cytogenetic location: 19p13.11.
Variant type: single nucleotide variant.
Coding change: c.298G>A on transcript NM_178526.5 (MANE Select); coding-DNA position 298, G replaced by A.
Protein change: p.Val100Met; replaces valine 100 with methionine.
Molecular consequence: missense variant.
Genome position (GRCh38, 1-based): chr19:19,105,645, G>A. VCF-style: chr19-19105645-G-A. GRCh37 (hg19) VCF-style: chr19-19216454-G-A.
Other names: c.298G>A, p.Val100Met (NM_001321544.2); short protein forms V100M.
Identifiers: ClinVar variation 1920194 (VCV001920194.3), dbSNP rs138036287, ClinGen allele CA9321427.

ClinVar aggregate classification (germline): Uncertain significance (1 of 4 stars; one submission).

Allele frequency attached by ClinVar (database versions not stated): ExAC 0.00002; gnomAD 0.00002; TOPMed 0.00003; ESP Exome Variant Server 0.00015.
gnomAD v4.1: 4 of 1,613,644 alleles (0.00025%); highest among the groups gnomAD compares: African/African-American, 0.004%; no homozygotes.

Submission:

Labcorp Genetics (formerly Invitae), Labcorp
Classification: Uncertain significance. Last evaluated: 2025-02-03. Review status: criteria provided, single submitter. Criteria: Invitae Variant Classification Sherloc (09022015). Collection method: clinical testing. Allele origin: germline.
Comment: This sequence change replaces valine, which is neutral and non-polar, with methionine, which is neutral and non-polar, at codon 100 of the SLC25A42 protein (p.Val100Met). This variant is present in population databases (rs138036287, gnomAD 0.01%). This variant has not been reported in the literature in individuals affected with SLC25A42-related conditions. ClinVar contains an entry for this variant (Variation ID: 1920194). Invitae Evidence Modeling of protein sequence and biophysical properties (such as structural, functional, and spatial information, amino acid conservation, physicochemical variation, residue mobility, and thermodynamic stability) indicates that this missense variant is not expected to disrupt SLC25A42 protein function with a negative predictive value of 80%. In summary, the available evidence is currently insufficient to determine the role of this variant in disease. Therefore, it has been classified as a Variant of Uncertain Significance.